The following is an entry in ClinVar:

NM_144997.7(FLCN):c.838G>T (p.Glu280Ter)

Gene: FLCN (folliculin; minus strand). Cytogenetic location: 17p11.2.
Variant type: single nucleotide variant.
Coding change: c.838G>T on transcript NM_144997.7 (MANE Select); coding-DNA position 838, G replaced by T.
Protein change: p.Glu280Ter; replaces glutamic acid 280 with a stop codon.
Molecular consequence: nonsense.
Genome position (GRCh38, 1-based): chr17:17,221,570, C>A on the plus strand (G>T on the coding strand, the complement: FLCN is on the minus strand). VCF-style: chr17-17221570-C-A. GRCh37 (hg19) VCF-style: chr17-17124884-C-A.
Other names: c.892G>T, p.Glu298Ter (NM_001353229.2); c.838G>T, p.Glu280Ter (NM_001353230.2, NM_001353231.2, NM_144606.7); c.838G>T (LRG_325t1); short protein forms E280*, E298*.
Identifiers: ClinVar variation 428653 (VCV000428653.8), dbSNP rs1060502367, ClinGen allele CA398533684.
Genomic context (GRCh38, chr17:17,221,570, plus strand): 5'-GCCCCGGCAACAGCACCCCTGCCTCACCAGCGAGCTTCTCCATCTGGACCAAGGTATCCT[C>A]GGTCGGAGCACCTTCCAGGAGCTTCTCGGTCAGCCGGCTGCCACACGCCTTCAGGAGCCT-3'

ClinVar aggregate classification (germline): Pathogenic. Review status: criteria provided, multiple submitters, no conflicts (2 of 4 stars). 2 submissions from 2 submitters: Pathogenic (2). Last evaluated 2025-08-18.

Conditions:
Hereditary cancer-predisposing syndrome. Also called: Hereditary neoplastic syndrome; Tumor predisposition; Neoplastic Syndromes, Hereditary; Hereditary Cancer Syndrome. Identifiers: Orphanet 140162, MedGen C0027672, MeSH D009386, MONDO:0015356.
Birt-Hogg-Dube syndrome. Also called: Birt Hogg Dubé syndrome. Identifiers: Orphanet 122, MedGen C0346010, MONDO:0800444.

Submissions (2):

Ambry Genetics
Classification: Pathogenic for Hereditary cancer-predisposing syndrome. Last evaluated: 2025-08-18. Review status: criteria provided, single submitter. Criteria: Ambry Variant Classification Scheme 2023. Collection method: clinical testing. Allele origin: germline.
Comment: The p.E280* pathogenic mutation (also known as c.838G>T), located in coding exon 5 of the FLCN gene, results from a G to T substitution at nucleotide position 838. This changes the amino acid from a glutamic acid to a stop codon within coding exon 5. This variant is considered to be rare based on population cohorts in the Genome Aggregation Database (gnomAD). This alteration is expected to result in loss of function by premature protein truncation or nonsense-mediated mRNA decay. As such, this alteration is interpreted as a disease-causing mutation.

Labcorp Genetics (formerly Invitae), Labcorp
Classification: Pathogenic for Birt-Hogg-Dube syndrome. Last evaluated: 2024-04-06. Review status: criteria provided, single submitter. Criteria: Invitae Variant Classification Sherloc (09022015). Collection method: clinical testing. Allele origin: germline.
Comment: This sequence change creates a premature translational stop signal (p.Glu280*) in the FLCN gene. It is expected to result in an absent or disrupted protein product. Loss-of-function variants in FLCN are known to be pathogenic (PMID: 15852235). This variant is not present in population databases (gnomAD no frequency). This variant has not been reported in the literature in individuals affected with FLCN-related conditions. ClinVar contains an entry for this variant (Variation ID: 428653). For these reasons, this variant has been classified as Pathogenic.

Literature cited by the submitters: PubMed 15852235 (cited by Labcorp Genetics (formerly Invitae), Labcorp).